The following is an entry in ClinVar:

NM_015662.3(IFT172):c.463G>A (p.Val155Met)

Gene: IFT172 (intraflagellar transport 172; minus strand). Cytogenetic location: 2p23.3.
Variant type: single nucleotide variant.
Coding change: c.463G>A on transcript NM_015662.3 (MANE Select); coding-DNA position 463, G replaced by A.
Protein change: p.Val155Met; replaces valine 155 with methionine.
Molecular consequence: missense variant.
Genome position (GRCh38, 1-based): chr2:27,483,599, C>T on the plus strand (G>A on the coding strand, the complement: IFT172 is on the minus strand). VCF-style: chr2-27483599-C-T. GRCh37 (hg19) VCF-style: chr2-27706466-C-T.
Other names: c.463G>A (NM_015662.2); short protein forms V155M.
Identifiers: ClinVar variation 1380254 (VCV001380254.8), dbSNP rs149969430, ClinGen allele CA1580976.

ClinVar aggregate classification (germline): Uncertain significance. Review status: criteria provided, multiple submitters, no conflicts (2 of 4 stars). 4 submissions from 4 submitters: Uncertain significance (4). Last evaluated 2025-09-03.

Conditions:
Retinitis pigmentosa 71 (RP71). Identifiers: Orphanet 791, MedGen C4225342, MONDO:0014618, OMIM 616394.
Short-rib thoracic dysplasia 10 with or without polydactyly (SRTD10). Identifiers: Orphanet 474, MedGen C3810175, MONDO:0014284, OMIM 615630.
IFT172-related disorder. Also called: IFT172-related disorders; IFT172-related condition.
Bardet-Biedl syndrome 20. Identifiers: MedGen C4310707, MONDO:0023670, OMIM 619471, MONDO:0014926.

Allele frequency attached by ClinVar (database versions not stated): ESP Exome Variant Server 0.00023.
gnomAD v4.1: 24 of 1,613,970 alleles (0.0015%); highest among the groups gnomAD compares: African/African-American, 0.0067%; no homozygotes.

Submissions (4):

PreventionGenetics, part of Exact Sciences
Classification: Uncertain significance for IFT172-related condition. Last evaluated: 2025-09-03. Review status: criteria provided, single submitter. Criteria: ACMG Guidelines, 2015. Collection method: clinical testing. Allele origin: germline.
Comment: The IFT172 c.463G>A variant is predicted to result in the amino acid substitution p.Val155Met. To our knowledge, this variant has not been reported in the literature. This variant is reported in 0.012% of alleles in individuals of African descent in gnomAD. At this time, the clinical significance of this variant is uncertain due to the absence of conclusive functional and genetic evidence.

Blueprint Genetics
Classification: Uncertain significance. Last evaluated: 2023-05-09. Review status: criteria provided, single submitter. Criteria: ACMG Guidelines, 2015. Collection method: clinical testing. Allele origin: germline.

Fulgent Genetics
Classification: Uncertain significance for Short-rib thoracic dysplasia 10 with or without polydactyly; Retinitis pigmentosa 71; Bardet-Biedl syndrome 20. Last evaluated: 2021-12-09. Review status: criteria provided, single submitter. Criteria: ACMG Guidelines, 2015. Collection method: clinical testing. Allele origin: unknown.

Labcorp Genetics (formerly Invitae), Labcorp
Classification: Uncertain significance for Retinitis pigmentosa 71; Short-rib thoracic dysplasia 10 with or without polydactyly. Last evaluated: 2021-08-31. Review status: criteria provided, single submitter. Criteria: Invitae Variant Classification Sherloc (09022015). Collection method: clinical testing. Allele origin: germline.
Comment: This sequence change replaces valine with methionine at codon 155 of the IFT172 protein (p.Val155Met). The valine residue is moderately conserved and there is a small physicochemical difference between valine and methionine. This variant is present in population databases (rs149969430, ExAC 0.02%). This variant has not been reported in the literature in individuals affected with IFT172-related conditions. Algorithms developed to predict the effect of missense changes on protein structure and function are either unavailable or do not agree on the potential impact of this missense change (SIFT: "Deleterious"; PolyPhen-2: "Probably Damaging"; Align-GVGD: "Class C0"). In summary, the available evidence is currently insufficient to determine the role of this variant in disease. Therefore, it has been classified as a Variant of Uncertain Significance.